The following is an entry in ClinVar:

ClinVar aggregate classification (germline): Pathogenic/Likely pathogenic. Review status: criteria provided, multiple submitters, no conflicts (2 of 4 stars). 2 submissions from 2 submitters: Pathogenic (1); Likely pathogenic (1). Last evaluated 2022-01-01.

Conditions:
Bainbridge-Ropers syndrome. Also called: Severe feeding difficulties-failure to thrive-microcephaly due to ASXL3 deficiency syndrome. Identifiers: Orphanet 352577, MedGen C4750837, MONDO:0014205, OMIM 615485.

Submissions (2):

Revvity Omics, Revvity
Classification: Likely pathogenic for Bainbridge-Ropers syndrome. Last evaluated: 2022-01-01. Review status: criteria provided, single submitter. Criteria: ACMG Guidelines, 2015. Collection method: clinical testing. Allele origin: germline.

Broad Center for Mendelian Genomics, Broad Institute of MIT and Harvard
Classification: Pathogenic for Bainbridge-Ropers syndrome. Last evaluated: 2018-12-03. Review status: criteria provided, single submitter. Criteria: ACMG Guidelines, 2015. Collection method: research. Allele origin: de novo. Inheritance: Autosomal dominant inheritance. Affected: yes.
Comment: This variant was absent from large population studies. Trio exome analysis showed this variant to be de novo. This variant is predicted to cause a frameshift, which alters the proteinâ€™s amino acid sequence beginning at position 617 and leads to a premature termination codon 29 amino acids downstream. This alteration is then predicted to lead to a truncated or absent protein. Greater than 10% of pathogenic variants reported in association with Bainbridge-Ropers syndrome in ClinVar are loss of function variants, including at least three pathogenic loss of function variants across multiple exons. Heterozygous loss of function of the ASXL3 gene is an established disease mechanism in Bainbridge-Ropers syndrome. In summary, this variant meets criteria to be classified as pathogenic for Bainbridge-Ropers syndrome in an autosomal dominant manner based on the predicted impact of the variant and de novo inheritance. ACMG/AMP Criteria applied: PM2, PVS1, PS2 (Richards 2015).

NM_030632.3(ASXL3):c.1849_1850del (p.Ser617fs)

Gene: ASXL3 (ASXL transcriptional regulator 3; plus strand). Cytogenetic location: 18q12.1.
Variant type: Microsatellite.
Coding change: c.1849_1850del on transcript NM_030632.3 (MANE Select); coding-DNA positions 1849 to 1850, 2 bases deleted (AG; older notation c.1849_1850delAG).
Protein change: p.Ser617fs; shifts the reading frame from serine 617.
Molecular consequence: frameshift variant.
Genome position (GRCh38, 1-based): chr18:33,739,253-33,739,254, AG deleted; deleting any 2 consecutive bases within chr18:33,739,250-33,739,254 gives the same sequence; the c. name uses the placement nearest the transcript's 3' end. VCF-style (leftmost placement, unchanged base first): chr18-33739249-TGA-T. GRCh37 (hg19) VCF-style: chr18-31319213-TGA-T.
Other names: short protein forms S617fs.
Identifiers: ClinVar variation 635047 (VCV000635047.7), dbSNP rs1599563995, ClinGen allele CA658795129.